The following is an entry in ClinVar:

NM_145207.3(AFG2A):c.84G>A (p.Ala28=)

Gene: AFG2A (AFG2 AAA ATPase homolog A; plus strand). Cytogenetic location: 4q28.1.
Variant type: single nucleotide variant.
Coding change: c.84G>A on transcript NM_145207.3 (MANE Select); coding-DNA position 84, G replaced by A.
Protein change: p.Ala28=; no amino-acid change (alanine 28 retained).
Molecular consequence: synonymous variant.
Genome position (GRCh38, 1-based): chr4:122,923,226, G>A. VCF-style: chr4-122923226-G-A. GRCh37 (hg19) VCF-style: chr4-123844381-G-A.
Other names: c.84G>A, p.Ala28= (NM_001317799.2, NM_001345856.2).
Identifiers: ClinVar variation 1306829 (VCV001306829.3), dbSNP rs1560780250, ClinGen allele CA441203613.
Genomic context (GRCh38, chr4:122,923,226, plus strand): 5'-GCGGTTGAACCAAAGCGCGGAAAATGGTTCGTCCTTGCCCTCTGCTGCTTCCTCTTGTGC[G>A]GAGGCACGGGCTCCTTCTGCTGGATCAGACTTCGCGGCAACCTCCGGGACTCTGACGGTG-3'
Protein context (NP_660208.2, residues 18-38): SSLPSAASSC[Ala28=]EARAPSAGSD

ClinVar aggregate classification (germline): Uncertain significance (1 of 4 stars; one submission).

Allele frequency attached by ClinVar (database versions not stated): TOPMed below 0.00001; gnomAD 0.00001.
gnomAD v4.1: 1 of 1,614,104 alleles (0.000062%); highest among the groups gnomAD compares: Non-Finnish European, 0.000085%; no homozygotes.

Submission:

GeneDx
Classification: Uncertain significance. Last evaluated: 2019-07-02. Review status: criteria provided, single submitter. Criteria: GeneDx Variant Classification Process June 2021. Collection method: clinical testing. Allele origin: germline. Affected: yes.
Comment: Has not been previously published as pathogenic or benign to our knowledge; Not observed in large population cohorts (Lek et al., 2016); In silico analysis, which includes splice predictors and evolutionary conservation, suggests this variant may impact gene splicing. In the absence of RNA/functional studies, the actual effect of this sequence change is unknown.